The following is an entry in ClinVar:

ClinVar aggregate classification (germline): Uncertain significance. Review status: criteria provided, single submitter (1 of 4 stars). 2 submissions from 2 submitters: Uncertain significance (1). 1 of the submissions does not count toward it. Last evaluated 2025-07-16.

Conditions:
PTPRJ-related disorder. Also called: PTPRJ-related condition.

Allele frequency attached by ClinVar (database versions not stated): ExAC 0.00002; gnomAD exomes 0.00003; gnomAD 0.00005; TOPMed 0.00008.
gnomAD v4.1: 49 of 1,613,930 alleles (0.003%); highest among the groups gnomAD compares: African/African-American, 0.028%; no homozygotes.

Submissions (2):

Ambry Genetics
Classification: Uncertain significance. Last evaluated: 2025-07-16. Review status: criteria provided, single submitter. Criteria: Ambry Variant Classification Scheme 2023. Collection method: clinical testing. Allele origin: germline.

PreventionGenetics, part of Exact Sciences
Classification: Uncertain significance for PTPRJ-related condition. Last evaluated: 2024-01-04. Review status: no assertion criteria provided. Collection method: clinical testing. Allele origin: germline. Not counted in ClinVar's aggregate classification.
Comment: The PTPRJ c.779C>T variant is predicted to result in the amino acid substitution p.Ser260Leu. To our knowledge, this variant has not been reported in the literature. This variant is reported in 0.016% of alleles in individuals of African descent in gnomAD. At this time, the clinical significance of this variant is uncertain due to the absence of conclusive functional and genetic evidence.

NM_002843.4(PTPRJ):c.779C>T (p.Ser260Leu)

Gene: PTPRJ (protein tyrosine phosphatase receptor type J; plus strand). Cytogenetic location: 11p11.2.
Variant type: single nucleotide variant.
Coding change: c.779C>T on transcript NM_002843.4 (MANE Select); coding-DNA position 779, C replaced by T.
Protein change: p.Ser260Leu; replaces serine 260 with leucine.
Molecular consequence: missense variant.
Genome position (GRCh38, 1-based): chr11:48,123,775, C>T. VCF-style: chr11-48123775-C-T. GRCh37 (hg19) VCF-style: chr11-48145327-C-T.
Other names: c.779C>T, p.Ser260Leu (NM_001098503.2); short protein forms S260L.
Identifiers: ClinVar variation 2470265 (VCV002470265.5), dbSNP rs756013780, ClinGen allele CA5981993.
Genomic context (GRCh38, chr11:48,123,775, plus strand): 5'-TTGAAAGCATTGGAAGCCATGAGGAGTTGACTCAAGACTCAAGACTTCAGGTCAATATCT[C>T]GGGCCTGAAGCCAGGGGTTCAATACAACATCAACCCGTATCTTCTACAATCAAATAAGAC-3'
Protein context (NP_002834.3, residues 250-270): TQDSRLQVNI[Ser260Leu]GLKPGVQYNI